The following is an entry in ClinVar:

ClinVar aggregate classification (germline): Uncertain significance (1 of 4 stars; one submission).

Conditions:
Multiple congenital anomalies-hypotonia-seizures syndrome 1 (MCAHS1). Also called: PIGN-CDG; Congenital disorder of glycosylation due to PIGN deficiency; GLYCOSYLPHOSPHATIDYLINOSITOL BIOSYNTHESIS DEFECT 3. Identifiers: Orphanet 280633, MedGen C3279775, MONDO:0013563, OMIM 614080.

Allele frequency attached by ClinVar (database versions not stated): gnomAD exomes below 0.00001.
gnomAD v4.1: 1 of 1,609,584 alleles (0.000062%); highest among the groups gnomAD compares: Non-Finnish European, 0.000085%; no homozygotes.

Submission:

Labcorp Genetics (formerly Invitae), Labcorp
Classification: Uncertain significance for Multiple congenital anomalies-hypotonia-seizures syndrome 1. Last evaluated: 2022-10-06. Review status: criteria provided, single submitter. Criteria: Invitae Variant Classification Sherloc (09022015). Collection method: clinical testing. Allele origin: germline.
Comment: This variant is not present in population databases (gnomAD no frequency). This sequence change replaces valine, which is neutral and non-polar, with alanine, which is neutral and non-polar, at codon 242 of the PIGN protein (p.Val242Ala). ClinVar contains an entry for this variant (Variation ID: 1360398). This variant has not been reported in the literature in individuals affected with PIGN-related conditions. Advanced modeling of protein sequence and biophysical properties (such as structural, functional, and spatial information, amino acid conservation, physicochemical variation, residue mobility, and thermodynamic stability) performed at Invitae indicates that this missense variant is not expected to disrupt PIGN protein function. In summary, the available evidence is currently insufficient to determine the role of this variant in disease. Therefore, it has been classified as a Variant of Uncertain Significance.

NM_176787.5(PIGN):c.725T>C (p.Val242Ala)

Gene: PIGN (phosphatidylinositol glycan anchor biosynthesis class N; minus strand). Cytogenetic location: 18q21.33.
Variant type: single nucleotide variant.
Coding change: c.725T>C on transcript NM_176787.5 (MANE Select); coding-DNA position 725, T replaced by C.
Protein change: p.Val242Ala; replaces valine 242 with alanine.
Molecular consequence: missense variant.
Genome position (GRCh38, 1-based): chr18:62,147,051, A>G on the plus strand (T>C on the coding strand, the complement: PIGN is on the minus strand). VCF-style: chr18-62147051-A-G. GRCh37 (hg19) VCF-style: chr18-59814284-A-G.
Other names: c.725T>C, p.Val242Ala (NM_012327.6); short protein forms V242A.
Identifiers: ClinVar variation 1360398 (VCV001360398.8), dbSNP rs2147288732, ClinGen allele CA402601735.
Genomic context (GRCh38, chr18:62,147,051, plus strand): 5'-TCAGAGGTAAAGATAAATGTTGTTTTCCCATCATTTCCATAGAAGTGGTTAAACATAGAC[A>G]CGATTTCTTTAACTCCATCATCAACTTTTTTAATATTGTGCTTGTAGTCTCTATTTGTAA-3'
Protein context (NP_789744.1, residues 232-252): KKVDDGVKEI[Val242Ala]SMFNHFYGND